The following is an entry in ClinVar:

ClinVar aggregate classification (germline): Uncertain significance (1 of 4 stars; one submission).

Allele frequency attached by ClinVar (database versions not stated): gnomAD exomes below 0.00001.
gnomAD v4.1: 1 of 1,613,162 alleles (0.000062%); highest among the groups gnomAD compares: African/African-American, 0.0013%; no homozygotes.

Submission:

Labcorp Genetics (formerly Invitae), Labcorp
Classification: Uncertain significance. Last evaluated: 2021-08-02. Review status: criteria provided, single submitter. Criteria: Invitae Variant Classification Sherloc (09022015). Collection method: clinical testing. Allele origin: germline.
Comment: In summary, the available evidence is currently insufficient to determine the role of this variant in disease. Therefore, it has been classified as a Variant of Uncertain Significance. Algorithms developed to predict the effect of missense changes on protein structure and function are either unavailable or do not agree on the potential impact of this missense change (SIFT: "Not Available"; PolyPhen-2: "Probably Damaging"; Align-GVGD: "Not Available"). This variant has not been reported in the literature in individuals affected with C9-related conditions. This variant is not present in population databases (ExAC no frequency). This sequence change replaces histidine with glutamine at codon 345 of the C9 protein (p.His345Gln). The histidine residue is highly conserved and there is a small physicochemical difference between histidine and glutamine.

NM_001737.5(C9):c.1035C>A (p.His345Gln)

Gene: C9 (complement C9; minus strand). Cytogenetic location: 5p13.1.
Variant type: single nucleotide variant.
Coding change: c.1035C>A on transcript NM_001737.5 (MANE Select); coding-DNA position 1035, C replaced by A.
Protein change: p.His345Gln; replaces histidine 345 with glutamine.
Molecular consequence: missense variant.
Genome position (GRCh38, 1-based): chr5:39,311,213, G>T on the plus strand (C>A on the coding strand, the complement: C9 is on the minus strand). VCF-style: chr5-39311213-G-T. GRCh37 (hg19) VCF-style: chr5-39311315-G-T.
Other names: short protein forms H345Q.
Identifiers: ClinVar variation 1509677 (VCV001509677.6), dbSNP rs2111886842, ClinGen allele CA359556180.